The following is an entry in ClinVar:

ClinVar aggregate classification (germline): Likely benign. Review status: criteria provided, multiple submitters, no conflicts (2 of 4 stars). 3 submissions from 3 submitters: Likely benign (3). Last evaluated 2025-05-05.

Conditions:
Hereditary cancer-predisposing syndrome. Also called: Hereditary neoplastic syndrome; Hereditary Cancer Syndrome; Neoplastic Syndromes, Hereditary; Tumor predisposition. Identifiers: Orphanet 140162, MedGen C0027672, MeSH D009386, MONDO:0015356.
Multiple endocrine neoplasia, type 1 (MEN1). Also called: MEN I; WERMER SYNDROME; Endocrine adenomatosis multiple; MEN 1; MEA I. Identifiers: Orphanet 652, MedGen C0025267, MeSH D018761, MONDO:0007540, OMIM 131100.

Allele frequency attached by ClinVar (database versions not stated): gnomAD exomes below 0.00001.

Submissions (3):

Labcorp Genetics (formerly Invitae), Labcorp
Classification: Likely benign for Multiple endocrine neoplasia, type 1. Last evaluated: 2025-05-05. Review status: criteria provided, single submitter. Criteria: Invitae Variant Classification Sherloc (09022015). Collection method: clinical testing. Allele origin: germline.

Ambry Genetics
Classification: Likely benign for Hereditary cancer-predisposing syndrome. Last evaluated: 2024-03-12. Review status: criteria provided, single submitter. Criteria: Ambry Variant Classification Scheme 2023. Collection method: clinical testing. Allele origin: germline.

All of Us Research Program, National Institutes of Health
Classification: Likely benign for Multiple endocrine neoplasia, type 1. Last evaluated: 2023-08-28. Review status: criteria provided, single submitter. Criteria: ACMG Guidelines, 2015. Collection method: clinical testing. Allele origin: germline. Inheritance: Autosomal dominant inheritance. Observed: 2 variant alleles, 2 heterozygotes.
Comment: This study involves interpretation of variants in research participants for the purpose of population health screening. Participant phenotype was not available at the time of variant classification. Additional details can be found in publication PMID: 35346344, PMCID: PMC8962531

NM_001370259.2(MEN1):c.1677G>A (p.Lys559=)

Gene: MEN1 (menin 1; minus strand). Cytogenetic location: 11q13.1.
Variant type: single nucleotide variant.
Coding change: c.1677G>A on transcript NM_001370259.2 (MANE Select); coding-DNA position 1677, G replaced by A.
Protein change: p.Lys559=; no amino-acid change (lysine 559 retained).
Molecular consequence: synonymous variant.
Genome position (GRCh38, 1-based): chr11:64,804,490, C>T on the plus strand (G>A on the coding strand, the complement: MEN1 is on the minus strand). VCF-style: chr11-64804490-C-T. GRCh37 (hg19) VCF-style: chr11-64571962-C-T.
Other names: c.1692G>A, p.Lys564= (NM_000244.4, NM_130800.3, NM_130801.3 and 3 more transcripts); c.1803G>A, p.Lys601= (NM_001370251.2); c.1677G>A, p.Lys559= (NM_001370260.2, NM_001370261.2, NM_130799.3); c.1572G>A, p.Lys524= (NM_001370262.2, NM_001370263.2); c.1677G>A (NM_130799.2).
Identifiers: ClinVar variation 1607463 (VCV001607463.10), dbSNP rs2136080688, ClinGen allele CA475163403.